The following is an entry in ClinVar:

NM_182914.3(SYNE2):c.7585C>T (p.Leu2529Phe)

Gene: SYNE2 (spectrin repeat containing nuclear envelope protein 2; plus strand). Cytogenetic location: 14q23.2.
Variant type: single nucleotide variant.
Coding change: c.7585C>T on transcript NM_182914.3 (MANE Select); coding-DNA position 7585, C replaced by T.
Protein change: p.Leu2529Phe; replaces leucine 2529 with phenylalanine.
Molecular consequence: missense variant.
Genome position (GRCh38, 1-based): chr14:64,049,818, C>T. VCF-style: chr14-64049818-C-T. GRCh37 (hg19) VCF-style: chr14-64516536-C-T.
Other names: c.7585C>T, p.Leu2529Phe (NM_015180.6); short protein forms L2529F.
Identifiers: ClinVar variation 2213347 (VCV002213347.4), dbSNP rs2097211670, ClinGen allele CA389959186.

ClinVar aggregate classification (germline): Uncertain significance. Review status: criteria provided, multiple submitters, no conflicts (2 of 4 stars). 2 submissions from 2 submitters: Uncertain significance (2). Last evaluated 2025-01-28.

Conditions:
Emery-Dreifuss muscular dystrophy 5, autosomal dominant (EDMD5). Also called: EMERY-DREIFUSS MUSCULAR DYSTROPHY 5. Identifiers: Orphanet 261, MedGen C2751805, MONDO:0013072, OMIM 612999.

Allele frequency attached by ClinVar (database versions not stated): gnomAD exomes below 0.00001; TOPMed below 0.00001.
gnomAD v4.1: 2 of 1,614,082 alleles (0.00012%); highest among the groups gnomAD compares: African/African-American, 0.0027%; no homozygotes.

Submissions (2):

Labcorp Genetics (formerly Invitae), Labcorp
Classification: Uncertain significance for Emery-Dreifuss muscular dystrophy 5, autosomal dominant. Last evaluated: 2025-01-28. Review status: criteria provided, single submitter. Criteria: Invitae Variant Classification Sherloc (09022015). Collection method: clinical testing. Allele origin: germline.
Comment: This sequence change replaces leucine, which is neutral and non-polar, with phenylalanine, which is neutral and non-polar, at codon 2529 of the SYNE2 protein (p.Leu2529Phe). This variant is not present in population databases (gnomAD no frequency). This variant has not been reported in the literature in individuals affected with SYNE2-related conditions. ClinVar contains an entry for this variant (Variation ID: 2213347). An algorithm developed to predict the effect of missense changes on protein structure and function outputs the following: PolyPhen-2: "Benign". The phenylalanine amino acid residue is found in multiple mammalian species, which suggests that this missense change does not adversely affect protein function. In summary, the available evidence is currently insufficient to determine the role of this variant in disease. Therefore, it has been classified as a Variant of Uncertain Significance.

Ambry Genetics
Classification: Uncertain significance. Last evaluated: 2021-09-01. Review status: criteria provided, single submitter. Criteria: Ambry Variant Classification Scheme 2023. Collection method: clinical testing. Allele origin: germline.